The following is an entry in ClinVar:

NM_001365276.2(TNXB):c.10453G>T (p.Asp3485Tyr)

Gene: TNXB (tenascin XB; minus strand). Cytogenetic location: 6p21.33.
Variant type: single nucleotide variant.
Coding change: c.10453G>T on transcript NM_001365276.2 (MANE Select); coding-DNA position 10453, G replaced by T.
Protein change: p.Asp3485Tyr; replaces aspartic acid 3485 with tyrosine.
Molecular consequence: missense variant.
Genome position (GRCh38, 1-based): chr6:32,046,328, C>A on the plus strand (G>T on the coding strand, the complement: TNXB is on the minus strand). VCF-style: chr6-32046328-C-A. GRCh37 (hg19) VCF-style: chr6-32014105-C-A.
Other names: c.11194G>T, p.Asp3732Tyr (NM_001428335.1); c.10447G>T, p.Asp3483Tyr (NM_019105.8); short protein forms D3485Y, D3732Y, D3483Y.
Identifiers: ClinVar variation 4188683 (VCV004188683.1).

ClinVar aggregate classification (germline): Uncertain significance (1 of 4 stars; one submission).

Conditions:
Cardiovascular phenotype. Identifiers: MedGen CN230736.

Submission:

Ambry Genetics
Classification: Uncertain significance for Cardiovascular phenotype. Last evaluated: 2025-06-28. Review status: criteria provided, single submitter. Criteria: Ambry Variant Classification Scheme 2023. Collection method: clinical testing. Allele origin: germline.
Comment: The p.D3483Y variant (also known as c.10447G>T), located in coding exon 30 of the TNXB gene, results from a G to T substitution at nucleotide position 10447. The aspartic acid at codon 3483 is replaced by tyrosine, an amino acid with highly dissimilar properties. This amino acid position is conserved. In addition, the in silico prediction for this alteration is inconclusive. Based on the available evidence, the clinical significance of this variant remains unclear.